The following is an entry in ClinVar:

NM_015512.5(DNAH1):c.9622-9T>A

Gene: DNAH1 (dynein axonemal heavy chain 1; plus strand). Cytogenetic location: 3p21.1.
Variant type: single nucleotide variant.
Coding change: c.9622-9T>A on transcript NM_015512.5 (MANE Select); 9 bases into the intron before coding-DNA position 9622, T replaced by A.
Molecular consequence: intron variant.
Genome position (GRCh38, 1-based): chr3:52,390,926, T>A. VCF-style: chr3-52390926-T-A. GRCh37 (hg19) VCF-style: chr3-52424942-T-A.
Identifiers: ClinVar variation 1003839 (VCV001003839.5), dbSNP rs917308035, ClinGen allele CA74780409.

ClinVar aggregate classification (germline): Uncertain significance (1 of 4 stars; one submission).

Conditions:
Spermatogenic failure 18. Identifiers: MedGen C4539783, MONDO:0054615, OMIM 617576.
Ciliary dyskinesia, primary, 37 (CILD37). Also called: CILIARY DYSKINESIA, PRIMARY, 37, WITH OR WITHOUT SITUS INVERSUS. Identifiers: MedGen C4539798, MONDO:0033204, OMIM 617577.

Submission:

Labcorp Genetics (formerly Invitae), Labcorp
Classification: Uncertain significance for Ciliary dyskinesia, primary, 37; Spermatogenic failure 18. Last evaluated: 2022-06-20. Review status: criteria provided, single submitter. Criteria: Invitae Variant Classification Sherloc (09022015). Collection method: clinical testing. Allele origin: germline.
Comment: This variant has not been reported in the literature in individuals affected with DNAH1-related conditions. In summary, the available evidence is currently insufficient to determine the role of this variant in disease. Therefore, it has been classified as a Variant of Uncertain Significance. Algorithms developed to predict the effect of sequence changes on RNA splicing suggest that this variant may create or strengthen a splice site. ClinVar contains an entry for this variant (Variation ID: 1003839). This variant is not present in population databases (gnomAD no frequency). This sequence change falls in intron 60 of the DNAH1 gene. It does not directly change the encoded amino acid sequence of the DNAH1 protein.